The following is an entry in ClinVar:

NM_002386.4(MC1R):c.880G>A (p.Asp294Asn)

Gene: MC1R (melanocortin 1 receptor; plus strand). Cytogenetic location: 16q24.3.
Variant type: single nucleotide variant.
Coding change: c.880G>A on transcript NM_002386.4 (MANE Select); coding-DNA position 880, G replaced by A.
Protein change: p.Asp294Asn; replaces aspartic acid 294 with asparagine.
Molecular consequence: missense variant.
Genome position (GRCh38, 1-based): chr16:89,920,138, G>A. VCF-style: chr16-89920138-G-A. GRCh37 (hg19) VCF-style: chr16-89986546-G-A.
Other names: short protein forms D294N.
Identifiers: ClinVar variation 861058 (VCV000861058.10), dbSNP rs1805009, ClinGen allele CA8255792.

ClinVar aggregate classification (germline): Uncertain significance (1 of 4 stars; one submission).

Conditions:
Melanoma, cutaneous malignant, susceptibility to, 5. Also called: Cutaneous malignant melanoma 5. Identifiers: Orphanet 618, MedGen C2751295, MONDO:0013133, OMIM 613099.

gnomAD v4.1: 4 of 1,613,798 alleles (0.00025%); highest among the groups gnomAD compares: Non-Finnish European, 0.00034%; no homozygotes.

Submission:

Labcorp Genetics (formerly Invitae), Labcorp
Classification: Uncertain significance for Melanoma, cutaneous malignant, susceptibility to, 5. Last evaluated: 2019-03-29. Review status: criteria provided, single submitter. Criteria: Invitae Variant Classification Sherloc (09022015). Collection method: clinical testing. Allele origin: germline.
Comment: Algorithms developed to predict the effect of missense changes on protein structure and function are either unavailable or do not agree on the potential impact of this missense change (SIFT: "Deleterious"; PolyPhen-2: "Possibly Damaging"; Align-GVGD: "Class C15"). This variant has not been reported in the literature in individuals with MC1R-related conditions. This variant is present in population databases (rs1805009, ExAC 0.002%). This sequence change replaces aspartic acid with asparagine at codon 294 of the MC1R protein (p.Asp294Asn). The aspartic acid residue is highly conserved and there is a small physicochemical difference between aspartic acid and asparagine. In summary, the available evidence is currently insufficient to determine the role of this variant in disease. Therefore, it has been classified as a Variant of Uncertain Significance.